The following is an entry in ClinVar:

NM_001363.5(DKC1):c.1494GAA[8] (p.Lys505dup)

Gene: DKC1 (dyskerin pseudouridine synthase 1; plus strand). Cytogenetic location: Xq28.
Variant type: Microsatellite.
Coding change: c.1494GAA[8] on transcript NM_001363.5 (MANE Select); eight copies in a row of the 3-base unit GAA starting at c.1494; the reference has seven copies in a row; one copy, 3 bases duplicated; also written c.1512_1514dup.
Protein change: p.Lys505dup; duplicates lysine 505.
Molecular consequence: inframe insertion. On other transcripts: 3 prime UTR variant (1), non-coding transcript variant (3).
Genome position (GRCh38, 1-based): chrX:154,776,834-154,776,836, GAA duplicated; duplicating any 3 consecutive bases within chrX:154,776,814-154,776,836 gives the same sequence; the position shown is the placement nearest the transcript's 3' end. VCF-style (leftmost placement, unchanged base first): chrX-154776813-C-CAAG. GRCh37 (hg19) VCF-style: chrX-154005088-C-CAAG.
Other names: p.Lys505dup; c.1512_1514dup (NM_001363.4, NM_001363.5); c.1479GAA[8], p.Lys500dup (NM_001142463.3); c.*720GAA[8] (NM_001288747.2).
Identifiers: ClinVar variation 210847 (VCV000210847.32), dbSNP rs782576893, ClinGen allele CA206067.

ClinVar aggregate classification (germline): Benign/Likely benign. Review status: criteria provided, multiple submitters, no conflicts (2 of 4 stars). 15 submissions from 15 submitters: Benign (9); Likely benign (2). 4 of the submissions do not count toward it. Last evaluated 2026-02-10.

Conditions:
Dyskeratosis congenita. Identifiers: Orphanet 1775, MedGen C0265965, MONDO:0015780.
Dyskeratosis congenita, X-linked (DKCX). Also called: Zinsser-Cole-Engman Syndrome. Identifiers: MedGen C1148551, MONDO:0010584, OMIM 305000.

Submissions (15):

Dasa
Classification: Benign. Last evaluated: 2026-02-10. Review status: criteria provided, single submitter. Criteria: DASA Assertion Criteria. Collection method: clinical testing. Allele origin: germline.
Comment: NM_001363.5(DKC1):c.1512_1514dup (p.Lys505dup) is interpreted as benign based on a combination of available evidence, which may include population frequency, observations in unaffected individuals, intact protein function, lack of segregation with disease, in silico models, amino acid conservation, lack of disease association in case-control studies, and/or inconsistency with the known disease mechanism or impacted region. Based on the available data, this variant is classified as benign.

Labcorp Genetics (formerly Invitae), Labcorp
Classification: Benign for Dyskeratosis congenita. Last evaluated: 2026-02-01. Review status: criteria provided, single submitter. Criteria: Invitae Variant Classification Sherloc (09022015). Collection method: clinical testing. Allele origin: germline.

ARUP Laboratories, Molecular Genetics and Genomics, ARUP Laboratories
Classification: Benign. Last evaluated: 2025-05-05. Review status: criteria provided, single submitter. Criteria: ARUP Molecular Germline Variant Investigation Process 2024. Collection method: clinical testing. Allele origin: germline.

Blueprint Genetics
Classification: Likely benign. Last evaluated: 2024-11-28. Review status: criteria provided, single submitter. Criteria: ACMG Guidelines, 2015. Collection method: clinical testing. Allele origin: germline.

Fulgent Genetics
Classification: Likely benign for Dyskeratosis congenita, X-linked. Last evaluated: 2021-10-21. Review status: criteria provided, single submitter. Criteria: ACMG Guidelines, 2015. Collection method: clinical testing. Allele origin: unknown.

Genome-Nilou Lab
Classification: Benign for Dyskeratosis congenita, X-linked. Last evaluated: 2021-07-30. Review status: criteria provided, single submitter. Criteria: ACMG Guidelines, 2015. Collection method: clinical testing. Allele origin: germline. Affected: no.

Sema4
Classification: Benign for Dyskeratosis congenita. Last evaluated: 2020-09-10. Review status: criteria provided, single submitter. Criteria: Sema4 Curation Guidelines. Collection method: curation. Allele origin: germline.

Mayo Clinic Laboratories, Mayo Clinic
Classification: Benign. Last evaluated: 2019-12-31. Review status: criteria provided, single submitter. Criteria: ACMG Guidelines, 2015. Collection method: clinical testing. Allele origin: germline. Observed: 10 variant alleles.

Ambry Genetics
Classification: Benign for Dyskeratosis congenita. Last evaluated: 2017-02-07. Review status: criteria provided, single submitter. Criteria: Ambry Variant Classification Scheme 2023. Collection method: clinical testing. Allele origin: germline.

Genetic Services Laboratory, University of Chicago
Classification: Benign. Last evaluated: 2015-10-14. Review status: criteria provided, single submitter. Criteria: ACMG Guidelines, 2015. Collection method: clinical testing. Allele origin: germline. Affected: no.

GeneDx
Classification: Benign. Last evaluated: 2015-03-03. Review status: criteria provided, single submitter. Criteria: GeneDx Variant Classification Process June 2021. Collection method: clinical testing. Allele origin: germline. Affected: yes.

Diagnostic Laboratory, Department of Genetics, University Medical Center Groningen
Classification: Likely benign for Dyskeratosis congenita, X-linked. Review status: no assertion criteria provided. Collection method: clinical testing. Allele origin: germline. Affected: yes. Study: VKGL Data-share Consensus. Not counted in ClinVar's aggregate classification.

Genome Diagnostics Laboratory, Amsterdam University Medical Center
Classification: Likely benign. Review status: no assertion criteria provided. Collection method: clinical testing. Allele origin: germline. Affected: yes. Study: VKGL Data-share Consensus. Not counted in ClinVar's aggregate classification.

Genome Diagnostics Laboratory, University Medical Center Utrecht
Classification: Benign. Review status: no assertion criteria provided. Collection method: clinical testing. Allele origin: germline. Affected: yes. Study: VKGL Data-share Consensus. Not counted in ClinVar's aggregate classification.

Laboratory of Diagnostic Genome Analysis, Leiden University Medical Center (LUMC)
Classification: Likely benign. Review status: no assertion criteria provided. Collection method: clinical testing. Allele origin: germline. Affected: yes. Study: VKGL Data-share Consensus. Not counted in ClinVar's aggregate classification.